The following is an entry in ClinVar:

NM_001376.5(DYNC1H1):c.8343+4C>T

Gene: DYNC1H1 (dynein cytoplasmic 1 heavy chain 1; plus strand). Cytogenetic location: 14q32.31.
Variant type: single nucleotide variant.
Coding change: c.8343+4C>T on transcript NM_001376.5 (MANE Select); 4 bases into the intron after coding-DNA position 8343, C replaced by T.
Molecular consequence: intron variant.
Genome position (GRCh38, 1-based): chr14:102,018,620, C>T. VCF-style: chr14-102018620-C-T. GRCh37 (hg19) VCF-style: chr14-102484957-C-T.
Identifiers: ClinVar variation 1216665 (VCV001216665.9), dbSNP rs771447934, ClinGen allele CA616580460.

ClinVar aggregate classification (germline): Conflicting classifications of pathogenicity. Review status: criteria provided, conflicting classifications (1 of 4 stars). 2 submissions from 2 submitters: Uncertain significance (1); Likely benign (1). Last evaluated 2025-03-30.

Conditions:
Charcot-Marie-Tooth disease axonal type 2O. Also called: CHARCOT-MARIE-TOOTH NEUROPATHY, AXONAL, TYPE 2O; CHARCOT-MARIE-TOOTH DISEASE, AXONAL, AUTOSOMAL DOMINANT, TYPE 2O; Charcot-Marie-Tooth Neuropathy Type 2O; Charcot-Marie-Tooth disease, axonal, type 20. Identifiers: Orphanet 284232, MedGen C3280220, MONDO:0013644, OMIM 614228.

Allele frequency attached by ClinVar (database versions not stated): gnomAD 0.00001; TOPMed 0.00002.
gnomAD v4.1: 9 of 1,613,318 alleles (0.00056%); highest among the groups gnomAD compares: African/African-American, 0.0013%; no homozygotes.

Submissions (2):

Labcorp Genetics (formerly Invitae), Labcorp
Classification: Uncertain significance for Charcot-Marie-Tooth disease axonal type 2O. Last evaluated: 2025-03-30. Review status: criteria provided, single submitter. Criteria: Invitae Variant Classification Sherloc (09022015). Collection method: clinical testing. Allele origin: germline.
Comment: This sequence change falls in intron 41 of the DYNC1H1 gene. It does not directly change the encoded amino acid sequence of the DYNC1H1 protein. It affects a nucleotide within the consensus splice site. This variant is present in population databases (no rsID available, gnomAD 0.004%). This variant has not been reported in the literature in individuals affected with DYNC1H1-related conditions. ClinVar contains an entry for this variant (Variation ID: 1216665). Variants that disrupt the consensus splice site are a relatively common cause of aberrant splicing (PMID: 17576681, 9536098). Algorithms developed to predict the effect of sequence changes on RNA splicing suggest that this variant is not likely to affect RNA splicing. In summary, the available evidence is currently insufficient to determine the role of this variant in disease. Therefore, it has been classified as a Variant of Uncertain Significance.

GeneDx
Classification: Likely benign. Last evaluated: 2020-11-09. Review status: criteria provided, single submitter. Criteria: GeneDx Variant Classification Process June 2021. Collection method: clinical testing. Allele origin: germline. Affected: yes.

Literature cited by the submitters: PubMed 17576681 (cited by Labcorp Genetics (formerly Invitae), Labcorp); PubMed 9536098 (cited by Labcorp Genetics (formerly Invitae), Labcorp).